The following is an entry in ClinVar:

NM_030653.4(DDX11):c.546G>A (p.Pro182=)

Gene: DDX11 (DEAD/H-box helicase 11; plus strand). Cytogenetic location: 12p11.21.
Variant type: single nucleotide variant.
Coding change: c.546G>A on transcript NM_030653.4 (MANE Select); coding-DNA position 546, G replaced by A.
Protein change: p.Pro182=; no amino-acid change (proline 182 retained).
Molecular consequence: synonymous variant. On other transcripts: 5 prime UTR variant (3), non-coding transcript variant (4).
Genome position (GRCh38, 1-based): chr12:31,085,034, G>A. VCF-style: chr12-31085034-G-A. GRCh37 (hg19) VCF-style: chr12-31237968-G-A.
Other names: c.468G>A, p.Pro156= (NM_001413699.1, NM_001257145.2, NM_001413697.1 and 1 more transcripts); c.459G>A, p.Pro153= (NM_001413700.1); c.18G>A, p.Pro6= (NM_001413702.1, NM_001413703.1); c.-515G>A (NM_001413704.1, NM_001413705.1); c.-333G>A (NM_001413706.1); c.546G>A, p.Pro182= (NM_004399.3, NM_152438.2, NM_001257144.2 and 5 more transcripts).
Identifiers: ClinVar variation 3025897 (VCV003025897.22), dbSNP rs768877217, ClinGen allele CA6500797.

ClinVar aggregate classification (germline): Likely benign (1 of 4 stars; one submission).

Allele frequency attached by ClinVar (database versions not stated): gnomAD 0.00001; ExAC 0.00002; TOPMed 0.00006.
gnomAD v4.1: 47 of 1,611,568 alleles (0.0029%); highest among the groups gnomAD compares: Middle Eastern, 0.016%; no homozygotes.

Submission:

CeGaT Center for Human Genetics Tuebingen
Classification: Likely benign. Last evaluated: 2024-01-01. Review status: criteria provided, single submitter. Criteria: CeGaT Center For Human Genetics Tuebingen Variant Classification Criteria Version 2. Collection method: clinical testing. Allele origin: germline. Affected: yes. Observed: 1 variant allele.
Comment: DDX11: BP4, BP7